The following is an entry in ClinVar:

ClinVar aggregate classification (germline): Uncertain significance (1 of 4 stars; one submission).

Conditions:
Wilson disease (WND). Also called: Wilson's disease. Identifiers: Orphanet 905, MedGen C0019202, MONDO:0010200, OMIM 277900. Disease mechanism: loss of function.

Submission:

All of Us Research Program, National Institutes of Health
Classification: Uncertain significance for Wilson disease. Last evaluated: 2024-09-17. Review status: criteria provided, single submitter. Criteria: ACMG Guidelines, 2015. Collection method: clinical testing. Allele origin: germline. Inheritance: Autosomal recessive inheritance. Observed: 1 variant allele, 1 heterozygote.
Comment: This study involves interpretation of variants in research participants for the purpose of population health screening. Participant phenotype was not available at the time of variant classification. Additional details can be found in publication PMID: 35346344, PMCID: PMC8962531

NM_000053.4(ATP7B):c.1259T>C (p.Met420Thr)

Gene: ATP7B (ATPase copper transporting beta; minus strand). Cytogenetic location: 13q14.3.
Variant type: single nucleotide variant.
Coding change: c.1259T>C on transcript NM_000053.4 (MANE Select); coding-DNA position 1259, T replaced by C.
Protein change: p.Met420Thr; replaces methionine 420 with threonine.
Molecular consequence: missense variant.
Genome position (GRCh38, 1-based): chr13:51,973,961, A>G on the plus strand (T>C on the coding strand, the complement: ATP7B is on the minus strand). VCF-style: chr13-51973961-A-G. GRCh37 (hg19) VCF-style: chr13-52548097-A-G.
Other names: c.1259T>C, p.Met420Thr (NM_001406546.1, NM_001406547.1, NM_001406548.1 and 29 more transcripts); c.1163T>C, p.Met388Thr (NM_001406517.1, NM_001406518.1, NM_001406536.1 and 3 more transcripts); c.830T>C, p.Met277Thr (NM_001406539.1); c.926T>C, p.Met309Thr (NM_001243182.2); short protein forms M277T, M309T, M388T, M420T.
Identifiers: ClinVar variation 3385689 (VCV003385689.1).
Genomic context (GRCh38, chr13:51,973,961, plus strand): 5'-CAAGCTCAGGACATGCCTCAAACACACTACGTACCAGAAACGACTGAAGCCTCAAATCCC[A>G]TGTCTTCTATAGCAGCTCTGAGTTCTTCTGGGCTAATTACAGAGGGATTATAAAGAACTG-3'
Protein context (NP_000044.2, residues 410-430): PEELRAAIED[Met420Thr]GFEASVVSES